The following is an entry in ClinVar:

ClinVar aggregate classification (germline): Uncertain significance (1 of 4 stars; one submission).

Allele frequency attached by ClinVar (database versions not stated): gnomAD exomes below 0.00001.
gnomAD v4.1: 2 of 1,184,670 alleles (0.00017%); highest among the groups gnomAD compares: South Asian, 0.0019%; no homozygotes.

Submission:

Labcorp Genetics (formerly Invitae), Labcorp
Classification: Uncertain significance. Last evaluated: 2022-09-24. Review status: criteria provided, single submitter. Criteria: Invitae Variant Classification Sherloc (09022015). Collection method: clinical testing. Allele origin: germline.
Comment: This variant has not been reported in the literature in individuals affected with CACNA1F-related conditions. Advanced modeling of protein sequence and biophysical properties (such as structural, functional, and spatial information, amino acid conservation, physicochemical variation, residue mobility, and thermodynamic stability) performed at Invitae indicates that this missense variant is expected to disrupt CACNA1F protein function. In summary, the available evidence is currently insufficient to determine the role of this variant in disease. Therefore, it has been classified as a Variant of Uncertain Significance. This variant is not present in population databases (gnomAD no frequency). This sequence change replaces arginine, which is basic and polar, with glutamine, which is neutral and polar, at codon 975 of the CACNA1F protein (p.Arg975Gln).

NM_001256789.3(CACNA1F):c.2891G>A (p.Arg964Gln)

Gene: CACNA1F (calcium voltage-gated channel subunit alpha1 F; minus strand). Cytogenetic location: Xp11.23.
Variant type: single nucleotide variant.
Coding change: c.2891G>A on transcript NM_001256789.3 (MANE Select); coding-DNA position 2891, G replaced by A.
Protein change: p.Arg964Gln; replaces arginine 964 with glutamine.
Molecular consequence: missense variant.
Genome position (GRCh38, 1-based): chrX:49,218,492, C>T on the plus strand (G>A on the coding strand, the complement: CACNA1F is on the minus strand). VCF-style: chrX-49218492-C-T. GRCh37 (hg19) VCF-style: chrX-49074951-C-T.
Other names: c.2729G>A, p.Arg910Gln (NM_001256790.3); c.2924G>A, p.Arg975Gln (NM_005183.4); short protein forms R910Q, R975Q, R964Q.
Identifiers: ClinVar variation 1966756 (VCV001966756.5), dbSNP rs2520912171, ClinGen allele CA412964650.